The following is an entry in ClinVar:

ClinVar aggregate classification (germline): Uncertain significance (1 of 4 stars; one submission).

gnomAD v4.1: 3 of 1,614,010 alleles (0.00019%); highest among the groups gnomAD compares: Admixed American, 0.0033%; no homozygotes.

Submission:

GeneDx
Classification: Uncertain significance. Last evaluated: 2024-06-25. Review status: criteria provided, single submitter. Criteria: GeneDx Variant Classification Process June 2021. Collection method: clinical testing. Allele origin: germline. Affected: yes.
Comment: Not observed at significant frequency in large population cohorts (gnomAD); In silico analysis supports that this missense variant has a deleterious effect on protein structure/function; Has not been previously published as pathogenic or benign to our knowledge

NM_022124.6(CDH23):c.3436C>A (p.His1146Asn)

Genes: C10orf105 (chromosome 10 open reading frame 105; minus strand), CDH23 (cadherin related 23; plus strand). Cytogenetic location: 10q22.1.
Variant type: single nucleotide variant.
Coding change: c.3436C>A on transcript NM_022124.6 (MANE Select); coding-DNA position 3436, C replaced by A.
Protein change: p.His1146Asn; replaces histidine 1146 with asparagine.
Molecular consequence: missense variant. On other transcripts: intron variant (1).
Genome position (GRCh38, 1-based): chr10:71,725,377, C>A. VCF-style: chr10-71725377-C-A. GRCh37 (hg19) VCF-style: chr10-73485134-C-A.
Other names: c.3436C>A, p.His1146Asn (NM_001171930.2); c.-5-9035G>T (NM_001168390.2); short protein forms H1146N.
Identifiers: ClinVar variation 3392692 (VCV003392692.1).